The following is an entry in ClinVar:

NM_001042492.3(NF1):c.2275G>T (p.Val759Leu)

Gene: NF1 (neurofibromin 1; plus strand). Cytogenetic location: 17q11.2.
Variant type: single nucleotide variant.
Coding change: c.2275G>T on transcript NM_001042492.3 (MANE Select); coding-DNA position 2275, G replaced by T.
Protein change: p.Val759Leu; replaces valine 759 with leucine.
Molecular consequence: missense variant.
Genome position (GRCh38, 1-based): chr17:31,227,241, G>T. VCF-style: chr17-31227241-G-T. GRCh37 (hg19) VCF-style: chr17-29554259-G-T.
Other names: c.2275G>T, p.Val759Leu (NM_000267.4); short protein forms V759L.
Identifiers: ClinVar variation 659900 (VCV000659900.7), dbSNP rs978948341, ClinGen allele CA398982754.

ClinVar aggregate classification (germline): Uncertain significance. Review status: criteria provided, multiple submitters, no conflicts (2 of 4 stars). 2 submissions from 2 submitters: Uncertain significance (2). Last evaluated 2025-05-13.

Conditions:
Hereditary cancer-predisposing syndrome. Also called: Neoplastic Syndromes, Hereditary; Hereditary neoplastic syndrome; Tumor predisposition; Hereditary Cancer Syndrome. Identifiers: Orphanet 140162, MedGen C0027672, MeSH D009386, MONDO:0015356.
Cardiovascular phenotype. Identifiers: MedGen CN230736.
Neurofibromatosis, type 1 (NF1). Also called: VON RECKLINGHAUSEN DISEASE; NEUROFIBROMATOSIS, TYPE I, SOMATIC; Peripheral type neurofibromatosis; Neurofibromatosis, type I. Identifiers: Orphanet 636, MedGen C0027831, MONDO:0018975, OMIM 162200. Disease mechanism: loss of function.

Submissions (2):

Labcorp Genetics (formerly Invitae), Labcorp
Classification: Uncertain significance for Neurofibromatosis, type 1. Last evaluated: 2025-05-13. Review status: criteria provided, single submitter. Criteria: Invitae Variant Classification Sherloc (09022015). Collection method: clinical testing. Allele origin: germline.
Comment: This sequence change replaces valine, which is neutral and non-polar, with leucine, which is neutral and non-polar, at codon 759 of the NF1 protein (p.Val759Leu). This variant is not present in population databases (gnomAD no frequency). This variant has not been reported in the literature in individuals affected with NF1-related conditions. ClinVar contains an entry for this variant (Variation ID: 659900). Invitae Evidence Modeling of protein sequence and biophysical properties (such as structural, functional, and spatial information, amino acid conservation, physicochemical variation, residue mobility, and thermodynamic stability) indicates that this missense variant is not expected to disrupt NF1 protein function with a negative predictive value of 95%. In summary, the available evidence is currently insufficient to determine the role of this variant in disease. Therefore, it has been classified as a Variant of Uncertain Significance.

Ambry Genetics
Classification: Uncertain significance for Cardiovascular phenotype; Hereditary cancer-predisposing syndrome. Last evaluated: 2023-03-06. Review status: criteria provided, single submitter. Criteria: Ambry Variant Classification Scheme 2023. Collection method: clinical testing. Allele origin: germline.
Comment: The p.V759L variant (also known as c.2275G>T), located in coding exon 19 of the NF1 gene, results from a G to T substitution at nucleotide position 2275. The valine at codon 759 is replaced by leucine, an amino acid with highly similar properties. This amino acid position is highly conserved in available vertebrate species. In addition, the in silico prediction for this alteration is inconclusive. Since supporting evidence is limited at this time, the clinical significance of this alteration remains unclear.